The following is an entry in ClinVar:

NM_017797.4(BTBD2):c.195C>T (p.Pro65=)

Genes: BTBD2 (BTB domain containing 2; minus strand), LOC130063010 (ATAC-STARR-seq lymphoblastoid silent region 9758; plus strand). Cytogenetic location: 19p13.3.
Variant type: single nucleotide variant.
Coding change: c.195C>T on transcript NM_017797.4 (MANE Select); coding-DNA position 195, C replaced by T.
Protein change: p.Pro65=; no amino-acid change (proline 65 retained).
Molecular consequence: synonymous variant.
Genome position (GRCh38, 1-based): chr19:2,015,509, G>A on the plus strand (C>T on the coding strand, the complement: BTBD2 is on the minus strand). VCF-style: chr19-2015509-G-A. GRCh37 (hg19) VCF-style: chr19-2015508-G-A.
Identifiers: ClinVar variation 2648958 (VCV002648958.24), dbSNP rs1419976629, ClinGen allele CA504771518.

ClinVar aggregate classification (germline): Likely benign (1 of 4 stars; one submission).

Allele frequency attached by ClinVar (database versions not stated): gnomAD 0.00007; 1000 Genomes Project 30x 0.00031.
gnomAD v4.1: 72 of 986,096 alleles (0.0073%); highest among the groups gnomAD compares: Non-Finnish European, 0.0085%; no homozygotes.

Submission:

CeGaT Center for Human Genetics Tuebingen
Classification: Likely benign. Last evaluated: 2022-10-01. Review status: criteria provided, single submitter. Criteria: CeGaT Center For Human Genetics Tuebingen Variant Classification Criteria Version 2. Collection method: clinical testing. Allele origin: germline. Affected: yes. Observed: 1 variant allele.
Comment: BTBD2: BP4, BP7